The following is an entry in ClinVar:

ClinVar aggregate classification (germline): Conflicting classifications of pathogenicity. Review status: criteria provided, conflicting classifications (1 of 4 stars). 2 submissions from 2 submitters: Likely pathogenic (1); Uncertain significance (1). Last evaluated 2024-07-23.

Submissions (2):

Labcorp Genetics (formerly Invitae), Labcorp
Classification: Uncertain significance. Last evaluated: 2024-07-23. Review status: criteria provided, single submitter. Criteria: Invitae Variant Classification Sherloc (09022015). Collection method: clinical testing. Allele origin: germline.
Comment: This variant, c.750_752del, results in the deletion of 1 amino acid(s) of the TMTC3 protein (p.Val251del), but otherwise preserves the integrity of the reading frame. This variant is present in population databases (rs771461068, gnomAD 0.005%). This variant has not been reported in the literature in individuals affected with TMTC3-related conditions. ClinVar contains an entry for this variant (Variation ID: 1319671). Experimental studies and prediction algorithms are not available or were not evaluated, and the functional significance of this variant is currently unknown. In summary, the available evidence is currently insufficient to determine the role of this variant in disease. Therefore, it has been classified as a Variant of Uncertain Significance.

Institute for Clinical Genetics, University Hospital TU Dresden, University Hospital TU Dresden
Classification: Likely pathogenic. Last evaluated: 2021-11-03. Review status: criteria provided, single submitter. Criteria: ACMG Guidelines, 2015. Collection method: clinical testing. Allele origin: germline.

NM_181783.4(TMTC3):c.747TGT[1] (p.Val251del)

Gene: TMTC3 (transmembrane O-mannosyltransferase targeting cadherins 3; plus strand). Cytogenetic location: 12q21.32.
Variant type: Microsatellite.
Coding change: c.747TGT[1] on transcript NM_181783.4 (MANE Select); one copy of the 3-base unit TGT starting at c.747; the reference has two copies in a row; one copy, 3 bases deleted.
Protein change: p.Val251del; deletes valine 251.
Molecular consequence: inframe deletion. On other transcripts: non-coding transcript variant (1).
Genome position (GRCh38, 1-based): chr12:88,160,804-88,160,806, TGT deleted; deleting any 3 consecutive bases within chr12:88,160,800-88,160,806 gives the same sequence; the position shown is the placement nearest the transcript's 3' end. VCF-style (leftmost placement, unchanged base first): chr12-88160799-CTTG-C. GRCh37 (hg19) VCF-style: chr12-88554576-CTTG-C.
Other names: c.567TGT[1], p.Val191del (NM_001366574.1); c.528TGT[1], p.Val178del (NM_001366579.1); c.480TGT[1], p.Val162del (NM_001366580.1); c.54TGT[1], p.Val20del (NM_001366583.1); short protein forms V162del, V178del, V191del, V20del, V251del.
Identifiers: ClinVar variation 1319671 (VCV001319671.8), dbSNP rs771461068, ClinGen allele CA6713126.
Genomic context (GRCh38, chr12:88,160,799, plus strand): 5'-CCATTTTCTATGCTGCAGACACTAGTAAAACTCATTGTCTTGATGTTCAGTACATTATTA[CTTG>C]TTGTGATTAGAGTCCAGGTTATTCAATCCCAACTTCCAGTATTCACCAGGTATGAAATTC-3'